The following is an entry in ClinVar:

NM_000079.4(CHRNA1):c.604C>T (p.Arg202Trp)

Gene: CHRNA1 (cholinergic receptor nicotinic alpha 1 subunit; minus strand). Cytogenetic location: 2q31.1.
Variant type: single nucleotide variant.
Coding change: c.604C>T on transcript NM_000079.4 (MANE Select); coding-DNA position 604, C replaced by T.
Protein change: p.Arg202Trp; replaces arginine 202 with tryptophan.
Molecular consequence: missense variant.
Genome position (GRCh38, 1-based): chr2:174,753,677, G>A on the plus strand (C>T on the coding strand, the complement: CHRNA1 is on the minus strand). VCF-style: chr2-174753677-G-A. GRCh37 (hg19) VCF-style: chr2-175618405-G-A.
Other names: c.679C>T, p.Arg227Trp (NM_001039523.3); c.604C>T (NM_000079.3); short protein forms R202W, R227W.
Identifiers: ClinVar variation 2194573 (VCV002194573.7), dbSNP rs528619587, ClinGen allele CA1974512.

ClinVar aggregate classification (germline): Uncertain significance. Review status: criteria provided, multiple submitters, no conflicts (2 of 4 stars). 3 submissions from 3 submitters: Uncertain significance (3). Last evaluated 2025-12-20.

Conditions:
Lethal multiple pterygium syndrome (LMPS). Identifiers: Orphanet 33108, MedGen C1854678, MONDO:0009668, OMIM 253290.
Myasthenic syndrome, congenital, 1B, fast-channel. Also called: Fast-Channel Congenital Myasthenia Syndrome. Identifiers: Orphanet 590, MedGen C4225405, MONDO:0012156, OMIM 608930.
Myasthenic syndrome, congenital, 1A, slow-channel. Also called: CMS IIa; MYASTHENIC SYNDROME, CONGENITAL, TYPE IIa; Congenital myasthenic syndrome 1A. Identifiers: MedGen C2931107, MONDO:0011088, OMIM 601462.
Inborn genetic diseases. Identifiers: MedGen C0950123, MeSH D030342.

Allele frequency attached by ClinVar (database versions not stated): TOPMed 0.00001; gnomAD exomes 0.00002; ExAC 0.00006; gnomAD 0.00006; 1000 Genomes Project 30x 0.00016; 1000 Genomes Project 0.00020.

Submissions (3):

Labcorp Genetics (formerly Invitae), Labcorp
Classification: Uncertain significance for Lethal multiple pterygium syndrome. Last evaluated: 2025-12-20. Review status: criteria provided, single submitter. Criteria: Invitae Variant Classification Sherloc (09022015). Collection method: clinical testing. Allele origin: germline.
Comment: This sequence change replaces arginine, which is basic and polar, with tryptophan, which is neutral and slightly polar, at codon 202 of the CHRNA1 protein (p.Arg202Trp). This variant is present in population databases (rs528619587, gnomAD 0.04%), including at least one homozygous and/or hemizygous individual. This variant has not been reported in the literature in individuals affected with CHRNA1-related conditions. ClinVar contains an entry for this variant (Variation ID: 2194573). Invitae Evidence Modeling of protein sequence and biophysical properties (such as structural, functional, and spatial information, amino acid conservation, physicochemical variation, residue mobility, and thermodynamic stability) indicates that this missense variant is not expected to disrupt CHRNA1 protein function with a negative predictive value of 80%. In summary, the available evidence is currently insufficient to determine the role of this variant in disease. Therefore, it has been classified as a Variant of Uncertain Significance.

Ambry Genetics
Classification: Uncertain significance for Inborn genetic diseases. Last evaluated: 2023-12-15. Review status: criteria provided, single submitter. Criteria: Ambry Variant Classification Scheme 2023. Collection method: clinical testing. Allele origin: germline.

Juno Genomics, Hangzhou Juno Genomics, Inc
Classification: Uncertain significance for Lethal multiple pterygium syndrome; Myasthenic syndrome, congenital, 1A, slow-channel; Myasthenic syndrome, congenital, 1B, fast-channel. Review status: criteria provided, single submitter. Criteria: ACMG Guidelines, 2015. Collection method: clinical testing. Allele origin: germline.
Comment: Absent from controls (or at extremely low frequency if recessive) in Genome Aggregation Database.;Multiple lines of computational evidence support a deleterious effect on the gene or gene product.